The following is an entry in ClinVar:

ClinVar aggregate classification (germline): Conflicting classifications of pathogenicity. Review status: criteria provided, conflicting classifications (1 of 4 stars). 18 submissions from 14 submitters: Uncertain significance (4); Benign (6); Likely benign (3). 5 of the submissions do not count toward it. Last evaluated 2026-02-04.

Conditions:
Atrial fibrillation. Identifiers: MedGen C0004238, MONDO:0004981, HP:0005110.
Ventricular tachycardia. Identifiers: MedGen C0042514, MONDO:0005477, HP:0004756.
Congestive heart failure. Identifiers: MedGen C0018802, MONDO:0005009, HP:0001635.
Autosomal recessive limb-girdle muscular dystrophy type 2J (LGMDR10). Also called: MUSCULAR DYSTROPHY, LIMB-GIRDLE, AUTOSOMAL RECESSIVE 10; Limb-girdle muscular dystrophy, type 2J. Identifiers: Orphanet 140922, MedGen C1837342, MONDO:0012127, OMIM 608807.
Dilated cardiomyopathy 1G (CMD1G). Identifiers: Orphanet 154, MedGen C1858763, MONDO:0011400, OMIM 604145.
Early-onset myopathy with fatal cardiomyopathy (CMYO5). Also called: CONGENITAL MYOPATHY 5 WITH CARDIOMYOPATHY; Salih Myopathy. Identifiers: Orphanet 289377, MedGen C2673677, MONDO:0012714, OMIM 611705. Disease mechanism: loss of function.
Tibial muscular dystrophy (TMD). Also called: UDD MYOPATHY; Udd Distal Myopathy – Tibial Muscular Dystrophy; Tibial muscular dystrophy, tardive. Identifiers: Orphanet 609, MedGen C1838244, MONDO:0010870, OMIM 600334.
Myopathy, myofibrillar, 9, with early respiratory failure (MFM9). Also called: Hereditary myopathy with early respiratory failure; EDSTROM MYOPATHY; MYOPATHY, PROXIMAL, WITH EARLY RESPIRATORY MUSCLE INVOLVEMENT; Myopathy, distal, with early respiratory failure, autosomal dominant. Identifiers: Orphanet 178464, Orphanet 34521, MedGen C1863599, MONDO:0011362, OMIM 603689.

Allele frequency attached by ClinVar (database versions not stated): gnomAD 0.00134 and 0.00170; ExAC 0.00178; 1000 Genomes Project 0.00180; gnomAD exomes 0.02368.
gnomAD v4.1: 2,168 of 993,936 alleles (0.22%); highest among the groups gnomAD compares: East Asian, 3.9%; 21 homozygotes.

Submissions (18):

Labcorp Genetics (formerly Invitae), Labcorp
Classification: Benign for Dilated cardiomyopathy 1G; Autosomal recessive limb-girdle muscular dystrophy type 2J. Last evaluated: 2026-02-04. Review status: criteria provided, single submitter. Criteria: Invitae Variant Classification Sherloc (09022015). Collection method: clinical testing. Allele origin: germline.

Blueprint Genetics
Classification: Likely benign. Last evaluated: 2024-11-21. Review status: criteria provided, single submitter. Criteria: ACMG Guidelines, 2015. Collection method: clinical testing. Allele origin: germline.

Mayo Clinic Laboratories, Mayo Clinic
Classification: Likely benign. Last evaluated: 2022-05-13. Review status: criteria provided, single submitter. Criteria: ACMG Guidelines, 2015. Collection method: clinical testing. Allele origin: germline. Observed: 125 variant alleles.

Women's Health and Genetics/Laboratory Corporation of America, LabCorp
Classification: Benign. Last evaluated: 2019-08-19. Review status: criteria provided, single submitter. Criteria: LabCorp Variant Classification Summary - May 2015. Collection method: clinical testing. Allele origin: germline.

Center for Advanced Laboratory Medicine, UC San Diego Health, University of California San Diego
Classification: Benign for Ventricular tachycardia; Congestive heart failure; Atrial fibrillation. Last evaluated: 2019-05-14. Review status: criteria provided, single submitter. Criteria: ACMG Guidelines, 2015. Collection method: clinical testing. Allele origin: germline. Affected: yes. Observed: 5 variant alleles.

Illumina Laboratory Services, Illumina
Classification: Uncertain significance for Early-onset myopathy with fatal cardiomyopathy. Last evaluated: 2018-01-13. Review status: criteria provided, single submitter. Criteria: ICSL Variant Classification Criteria 13 December 2019. Collection method: clinical testing. Allele origin: germline.

Illumina Laboratory Services, Illumina
Classification: Uncertain significance for Autosomal recessive limb-girdle muscular dystrophy type 2J. Last evaluated: 2018-01-13. Review status: criteria provided, single submitter. Criteria: ICSL Variant Classification Criteria 13 December 2019. Collection method: clinical testing. Allele origin: germline.

Illumina Laboratory Services, Illumina
Classification: Benign for Myopathy, myofibrillar, 9, with early respiratory failure. Last evaluated: 2018-01-13. Review status: criteria provided, single submitter. Criteria: ICSL Variant Classification Criteria 13 December 2019. Collection method: clinical testing. Allele origin: germline.
Comment: This variant was observed in the ICSL laboratory as part of a predisposition screen in an ostensibly healthy population. It had not been previously curated by ICSL or reported in the Human Gene Mutation Database (HGMD: prior to June 1st, 2018), and was therefore a candidate for classification through an automated scoring system. Utilizing variant allele frequency, disease prevalence and penetrance estimates, and inheritance mode, an automated score was calculated to assess if this variant is too frequent to cause the disease. Based on the score and internal cut-off values, a variant classified as benign is not then subjected to further curation. The score for this variant resulted in a classification of benign for this disease.

Illumina Laboratory Services, Illumina
Classification: Benign for Tibial muscular dystrophy. Last evaluated: 2018-01-13. Review status: criteria provided, single submitter. Criteria: ICSL Variant Classification Criteria 13 December 2019. Collection method: clinical testing. Allele origin: germline.
Comment: the same text as in the submission from Illumina Laboratory Services, Illumina above.

Illumina Laboratory Services, Illumina
Classification: Uncertain significance for Dilated cardiomyopathy 1G. Last evaluated: 2018-01-13. Review status: criteria provided, single submitter. Criteria: ICSL Variant Classification Criteria 13 December 2019. Collection method: clinical testing. Allele origin: germline.

GeneDx
Classification: Benign. Last evaluated: 2014-06-03. Review status: criteria provided, single submitter. Criteria: GeneDx Variant Classification (06012015). Collection method: clinical testing. Allele origin: germline. Affected: yes.
Comment: This variant is considered likely benign or benign based on one or more of the following criteria: it is a conservative change, it occurs at a poorly conserved position in the protein, it is predicted to be benign by multiple in silico algorithms, and/or has population frequency not consistent with disease.

Eurofins Ntd Llc (ga)
Classification: Uncertain significance. Last evaluated: 2014-01-02. Review status: criteria provided, single submitter. Criteria: EGL Classification Definitions 2015. Collection method: clinical testing. Allele origin: germline. Observed: 2 variant alleles, 2 heterozygotes.

PreventionGenetics, part of Exact Sciences
Classification: Likely benign. Review status: criteria provided, single submitter. Criteria: ACMG Guidelines, 2015. Collection method: clinical testing. Allele origin: germline.

Clinical Genetics DNA and cytogenetics Diagnostics Lab, Erasmus MC, Erasmus Medical Center
Classification: Benign. Review status: no assertion criteria provided. Collection method: clinical testing. Allele origin: germline. Affected: yes. Study: VKGL Data-share Consensus. Not counted in ClinVar's aggregate classification.

Clinical Genetics, Academic Medical Center
Classification: Benign. Review status: no assertion criteria provided. Collection method: clinical testing. Allele origin: germline. Affected: yes. Study: VKGL Data-share Consensus. Not counted in ClinVar's aggregate classification.

Diagnostic Laboratory, Department of Genetics, University Medical Center Groningen
Classification: Likely benign. Review status: no assertion criteria provided. Collection method: clinical testing. Allele origin: germline. Affected: yes. Study: VKGL Data-share Consensus. Not counted in ClinVar's aggregate classification.

Genome Diagnostics Laboratory, University Medical Center Utrecht
Classification: Likely benign. Review status: no assertion criteria provided. Collection method: clinical testing. Allele origin: germline. Affected: yes. Study: VKGL Data-share Consensus. Not counted in ClinVar's aggregate classification.

Laboratory of Diagnostic Genome Analysis, Leiden University Medical Center (LUMC)
Classification: Likely benign. Review status: no assertion criteria provided. Collection method: clinical testing. Allele origin: germline. Affected: yes. Study: VKGL Data-share Consensus. Not counted in ClinVar's aggregate classification.

NM_001267550.2(TTN):c.8902+14T>A

Gene: TTN (titin; minus strand). Cytogenetic location: 2q31.2.
Variant type: single nucleotide variant.
Coding change: c.8902+14T>A on transcript NM_001267550.2 (MANE Select); 14 bases into the intron after coding-DNA position 8902, T replaced by A.
Molecular consequence: intron variant.
Genome position (GRCh38, 1-based): chr2:178,769,665, A>T on the plus strand (T>A on the coding strand, the complement: TTN is on the minus strand). VCF-style: chr2-178769665-A-T. GRCh37 (hg19) VCF-style: chr2-179634392-A-T.
Other names: c.8764+14T>A (NM_003319.4, NM_133437.4, NM_133432.3); c.8902+14T>A (NM_133378.4, NM_001256850.1, NM_133379.5).
Identifiers: ClinVar variation 137827 (VCV000137827.28), dbSNP rs13388274, ClinGen allele CA232526.
Genomic context (GRCh38, chr2:178,769,665, plus strand): 5'-AATATCAATGAATCTACTGAATATTTGATATTTTATATATATGTGTATATATATATATAT[A>T]TTTTTTAACTTACGGGTGACTGTCAGGGTGGCACTGACTTGGTCATTGCCACAGACAAAT-3'